The following is an entry in ClinVar:

ClinVar aggregate classification (germline): Uncertain significance. Review status: criteria provided, multiple submitters, no conflicts (2 of 4 stars). 3 submissions from 3 submitters: Uncertain significance (3). Last evaluated 2026-06-23.

Conditions:
Inborn genetic diseases. Identifiers: MedGen C0950123, MeSH D030342.
Hereditary sensory neuropathy-deafness-dementia syndrome. Also called: NEUROPATHY, HEREDITARY SENSORY, WITH HEARING LOSS AND DEMENTIA; HSN IE; Hereditary sensory neuropathy type IE; Hereditary Sensory and Autonomic Neuropathy Type 1E (HSAN1E). Identifiers: Orphanet 456318, MedGen C3279885, MONDO:0013584, OMIM 614116.
DNMT1-related disorder. Also called: DNMT1-related condition. Identifiers: MedGen CN381527.

Allele frequency attached by ClinVar (database versions not stated): TOPMed 0.00002.

Submissions (3):

PreventionGenetics, part of Exact Sciences
Classification: Uncertain significance for DNMT1-related condition. Last evaluated: 2026-06-23. Review status: criteria provided, single submitter. Criteria: ACMG Guidelines, 2015. Collection method: clinical testing. Allele origin: germline.
Comment: The DNMT1 c.445C>A variant is predicted to result in the amino acid substitution p.Arg149Ser. To our knowledge, this variant has not been reported in the literature. This variant is reported in 0.00088% of alleles in individuals of European (non-Finnish) descent in gnomAD. At this time, the clinical significance of this variant is uncertain due to the absence of conclusive functional and genetic evidence.

Labcorp Genetics (formerly Invitae), Labcorp
Classification: Uncertain significance for Hereditary sensory neuropathy-deafness-dementia syndrome. Last evaluated: 2023-08-02. Review status: criteria provided, single submitter. Criteria: Invitae Variant Classification Sherloc (09022015). Collection method: clinical testing. Allele origin: germline.
Comment: An algorithm developed to predict the effect of missense changes on protein structure and function (PolyPhen-2) suggests that this variant is likely to be tolerated. This sequence change replaces arginine, which is basic and polar, with serine, which is neutral and polar, at codon 149 of the DNMT1 protein (p.Arg149Ser). This variant is present in population databases (no rsID available, gnomAD 0.0009%). This variant has not been reported in the literature in individuals affected with DNMT1-related conditions. ClinVar contains an entry for this variant (Variation ID: 1016423). In summary, the available evidence is currently insufficient to determine the role of this variant in disease. Therefore, it has been classified as a Variant of Uncertain Significance.

Ambry Genetics
Classification: Uncertain significance for Inborn genetic diseases. Last evaluated: 2023-06-28. Review status: criteria provided, single submitter. Criteria: Ambry Variant Classification Scheme 2023. Collection method: clinical testing. Allele origin: germline.
Comment: Occurs in the last base pair of the exon Based on insufficient or conflicting evidence, the clinical significance of this alteration remains unclear.

NM_001130823.3(DNMT1):c.445C>A (p.Arg149Ser)

Gene: DNMT1 (DNA methyltransferase 1; minus strand). Cytogenetic location: 19p13.2.
Variant type: single nucleotide variant.
Coding change: c.445C>A on transcript NM_001130823.3 (MANE Select); coding-DNA position 445, C replaced by A.
Protein change: p.Arg149Ser; replaces arginine 149 with serine.
Molecular consequence: missense variant.
Genome position (GRCh38, 1-based): chr19:10,180,350, G>T on the plus strand (C>A on the coding strand, the complement: DNMT1 is on the minus strand). VCF-style: chr19-10180350-G-T. GRCh37 (hg19) VCF-style: chr19-10291026-G-T.
Other names: c.445C>A, p.Pro149Thr (NM_001379.4, NM_001318730.2); c.82C>A, p.Arg28Ser (NM_001318731.2); c.445C>A (NM_001379.2, NM_001130823.2); short protein forms P149T, R149S, R28S.
Identifiers: ClinVar variation 1016423 (VCV001016423.11), dbSNP rs764561233, ClinGen allele CA305184897.
Genomic context (GRCh38, chr19:10,180,350, plus strand): 5'-CAACACAGTGAGACTCCATCTCAAAAACAATTAAAAATAAAAGGAATCATCTGCTCTTAC[G>T]CTTAGCCTCTCCATCGGACTTGCTCCTCCTGGGCGTGCGAGGTTTGGAAAGGGGTTTGGG-3'
Protein context (NP_001124295.1, residues 139-159): RRSKSDGEAK[Arg149Ser]SRDPPASASQ